The following is an entry in ClinVar:

NM_005732.4(RAD50):c.2161A>C (p.Lys721Gln)

Gene: RAD50 (RAD50 double strand break repair protein; plus strand). Cytogenetic location: 5q31.1.
Variant type: single nucleotide variant.
Coding change: c.2161A>C on transcript NM_005732.4 (MANE Select); coding-DNA position 2161, A replaced by C.
Protein change: p.Lys721Gln; replaces lysine 721 with glutamine.
Molecular consequence: missense variant.
Genome position (GRCh38, 1-based): chr5:132,595,764, A>C. VCF-style: chr5-132595764-A-C. GRCh37 (hg19) VCF-style: chr5-131931456-A-C.
Other names: short protein forms K721Q.
Identifiers: ClinVar variation 820738 (VCV000820738.4), dbSNP rs1580997157, ClinGen allele CA360950549.
Genomic context (GRCh38, chr5:132,595,764, plus strand): 5'-TTGCAGTCTAAACTGCGACTTGCTCCAGATAAACTCAAGTCAACAGAATCAGAGCTAAAA[A>C]AAAAGGAAAAGCGGCGTGATGAAATGCTGGGACTTGTGCCCATGAGGTAAGAATGGGATT-3'
Protein context (NP_005723.2, residues 711-731): KLKSTESELK[Lys721Gln]KEKRRDEMLG

ClinVar aggregate classification (germline): Uncertain significance (1 of 4 stars; one submission).

Conditions:
Hereditary cancer-predisposing syndrome. Also called: Neoplastic Syndromes, Hereditary; Tumor predisposition; Hereditary Cancer Syndrome; Hereditary neoplastic syndrome. Identifiers: Orphanet 140162, MedGen C0027672, MeSH D009386, MONDO:0015356.

Submission:

Ambry Genetics
Classification: Uncertain significance for Hereditary cancer-predisposing syndrome. Last evaluated: 2019-10-16. Review status: criteria provided, single submitter. Criteria: Ambry Variant Classification Scheme 2023. Collection method: clinical testing. Allele origin: germline.
Comment: The p.K721Q variant (also known as c.2161A>C), located in coding exon 13 of the RAD50 gene, results from an A to C substitution at nucleotide position 2161. The lysine at codon 721 is replaced by glutamine, an amino acid with similar properties. This amino acid position is not well conserved in available vertebrate species. In addition, this alteration is predicted to be tolerated by in silico analysis. Since supporting evidence is limited at this time, the clinical significance of this alteration remains unclear.